The following is an entry in ClinVar:

ClinVar aggregate classification (germline): Benign (0 of 4 stars; one submission).

Conditions:
MYO7B-related disorder. Also called: MYO7B-related condition.

Allele frequency attached by ClinVar (database versions not stated): 1000 Genomes Project 0.32109; 1000 Genomes Project 30x 0.32464; TOPMed 0.32986; gnomAD 0.34459; gnomAD exomes 0.34640; ESP Exome Variant Server 0.34966; ExAC 0.37408.
gnomAD v4.1: 557,179 of 1,610,912 alleles (35%); highest among the groups gnomAD compares: Middle Eastern, 39%; 98,682 homozygotes.

Submission:

PreventionGenetics, part of Exact Sciences
Classification: Benign for MYO7B-related condition. Last evaluated: 2023-11-21. Review status: no assertion criteria provided. Collection method: clinical testing. Allele origin: germline.
Comment: This variant is classified as benign based on ACMG/AMP sequence variant interpretation guidelines (Richards et al. 2015 PMID: 25741868, with internal and published modifications).

NM_001393586.1(MYO7B):c.2826G>A (p.Ser942=)

Gene: MYO7B (myosin VIIB; plus strand). Cytogenetic location: 2q14.3.
Variant type: single nucleotide variant.
Coding change: c.2826G>A on transcript NM_001393586.1 (MANE Select); coding-DNA position 2826, G replaced by A.
Protein change: p.Ser942=; no amino-acid change (serine 942 retained).
Molecular consequence: synonymous variant.
Genome position (GRCh38, 1-based): chr2:127,609,517, G>A. VCF-style: chr2-127609517-G-A. GRCh37 (hg19) VCF-style: chr2-128367092-G-A.
Other names: c.2826G>A, p.Ser942= (NM_001080527.2).
Identifiers: ClinVar variation 3059138 (VCV003059138.2), dbSNP rs777432, ClinGen allele CA1861251.